The following is an entry in ClinVar:

NM_032578.4(MYPN):c.3285+105G>A

Gene: MYPN (myopalladin; plus strand). Cytogenetic location: 10q21.3.
Variant type: single nucleotide variant.
Coding change: c.3285+105G>A on transcript NM_032578.4 (MANE Select); 105 bases into the intron after coding-DNA position 3285, G replaced by A.
Molecular consequence: intron variant.
Genome position (GRCh38, 1-based): chr10:68,197,583, G>A. VCF-style: chr10-68197583-G-A. GRCh37 (hg19) VCF-style: chr10-69957340-G-A.
Other names: c.3285+105G>A (NM_001256267.2); c.2403+105G>A (NM_001256268.2).
Identifiers: ClinVar variation 671148 (VCV000671148.2), dbSNP rs7095603, ClinGen allele CA208224604.

ClinVar aggregate classification (germline): Benign. Review status: criteria provided, multiple submitters, no conflicts (2 of 4 stars). 2 submissions from 2 submitters: Benign (2). Last evaluated 2018-06-16.

Allele frequency attached by ClinVar (database versions not stated): 1000 Genomes Project 30x 0.35509; 1000 Genomes Project 0.35703; TOPMed 0.40214; gnomAD 0.41841 and 0.41867.

Submissions (2):

GeneDx
Classification: Benign. Last evaluated: 2018-06-16. Review status: criteria provided, single submitter. Criteria: GeneDx Variant Classification (06012015). Collection method: clinical testing. Allele origin: germline. Affected: yes.
Comment: This variant is considered likely benign or benign based on one or more of the following criteria: it is a conservative change, it occurs at a poorly conserved position in the protein, it is predicted to be benign by multiple in silico algorithms, and/or has population frequency not consistent with disease.

Breakthrough Genomics
Classification: Benign. Review status: criteria provided, single submitter. Criteria: ACMG Guidelines, 2015. Collection method: not provided. Allele origin: germline. Inheritance: Autosomal recessive inheritance. Affected: yes.